The following is an entry in ClinVar:

NM_003380.5(VIM):c.1374_1375dup (p.Ser459fs)

Gene: VIM (vimentin; plus strand). Cytogenetic location: 10p13.
Variant type: Duplication.
Coding change: c.1374_1375dup on transcript NM_003380.5 (MANE Select); coding-DNA positions 1374 to 1375, 2 bases duplicated (TT; older notation c.1374_1375dupTT).
Protein change: p.Ser459fs; shifts the reading frame from serine 459.
Molecular consequence: frameshift variant.
Genome position (GRCh38, 1-based): chr10:17,237,244-17,237,245, TT duplicated. VCF-style (leftmost placement, unchanged base first): chr10-17237243-C-CTT. GRCh37 (hg19) VCF-style: chr10-17279242-C-CTT.
Other names: short protein forms S459fs.
Identifiers: ClinVar variation 962651 (VCV000962651.8), dbSNP rs1846907790, ClinGen allele CA1139661400.

ClinVar aggregate classification (germline): Uncertain significance (1 of 4 stars; one submission).

Conditions:
Cataract 30 (CTRCT30). Also called: CATARACT 30, PULVERULENT. Identifiers: Orphanet 91492, Orphanet 98984, Orphanet 98992, MedGen C3805411, MONDO:0007286, OMIM 116300.

Submission:

Labcorp Genetics (formerly Invitae), Labcorp
Classification: Uncertain significance for Cataract 30. Last evaluated: 2019-09-12. Review status: criteria provided, single submitter. Criteria: Invitae Variant Classification Sherloc (09022015). Collection method: clinical testing. Allele origin: germline.
Comment: This sequence change results in a frameshift in the VIM gene (p.Ser459Phefs*48). While this is not anticipated to result in nonsense mediated decay, it is expected to disrupt the last 8 amino acids of the VIM protein and extend the protein by an additional 39 amino acids. This variant is not present in population databases (ExAC no frequency). This variant has not been reported in the literature in individuals with VIM-related conditions. In summary, the available evidence is currently insufficient to determine the role of this variant in disease. Therefore, it has been classified as a Variant of Uncertain Significance.